The following is an entry in ClinVar:

ClinVar aggregate classification (germline): Uncertain significance (1 of 4 stars; one submission).

Allele frequency attached by ClinVar (database versions not stated): ExAC 0.00001; gnomAD exomes 0.00002.
gnomAD v4.1: 9 of 1,608,738 alleles (0.00056%); highest among the groups gnomAD compares: East Asian, 0.0089%; 1 homozygote.

Submission:

Labcorp Genetics (formerly Invitae), Labcorp
Classification: Uncertain significance. Last evaluated: 2021-12-03. Review status: criteria provided, single submitter. Criteria: Invitae Variant Classification Sherloc (09022015). Collection method: clinical testing. Allele origin: germline.
Comment: This variant is present in population databases (rs770032221, gnomAD 0.02%), including at least one homozygous and/or hemizygous individual. This sequence change replaces alanine, which is neutral and non-polar, with threonine, which is neutral and polar, at codon 452 of the KCNV2 protein (p.Ala452Thr). This variant has not been reported in the literature in individuals affected with KCNV2-related conditions. In summary, the available evidence is currently insufficient to determine the role of this variant in disease. Therefore, it has been classified as a Variant of Uncertain Significance. Algorithms developed to predict the effect of missense changes on protein structure and function (SIFT, PolyPhen-2, Align-GVGD) all suggest that this variant is likely to be disruptive. ClinVar contains an entry for this variant (Variation ID: 843517).

NM_133497.4(KCNV2):c.1354G>A (p.Ala452Thr)

Gene: KCNV2 (potassium voltage-gated channel modifier subfamily V member 2; plus strand). Cytogenetic location: 9p24.2.
Variant type: single nucleotide variant.
Coding change: c.1354G>A on transcript NM_133497.4 (MANE Select); coding-DNA position 1354, G replaced by A.
Protein change: p.Ala452Thr; replaces alanine 452 with threonine.
Molecular consequence: missense variant.
Genome position (GRCh38, 1-based): chr9:2,719,093, G>A. VCF-style: chr9-2719093-G-A. GRCh37 (hg19) VCF-style: chr9-2719093-G-A.
Other names: short protein forms A452T.
Identifiers: ClinVar variation 843517 (VCV000843517.9), dbSNP rs770032221, ClinGen allele CA4965868.
Genomic context (GRCh38, chr9:2,719,093, plus strand): 5'-GTGGAGCACGATGTGCCCAGCACCAACTTCACTACCATCCCCCACTCCTGGTGGTGGGCC[G>A]CGGTGAGTACCTTTGCCCTGGGCTTTCCCATCCTCTTCCCCAGCCCAGTGAGCTGCTCCT-3'
Protein context (NP_598004.1, residues 442-462): TTIPHSWWWA[Ala452Thr]VSISTVGYGD